The following is an entry in ClinVar:

NM_002972.4(SBF1):c.5C>T (p.Ala2Val)

Gene: SBF1 (SET binding factor 1; minus strand). Cytogenetic location: 22q13.33.
Variant type: single nucleotide variant.
Coding change: c.5C>T on transcript NM_002972.4 (MANE Select); coding-DNA position 5, C replaced by T.
Protein change: p.Ala2Val; replaces alanine 2 with valine.
Molecular consequence: missense variant.
Genome position (GRCh38, 1-based): chr22:50,474,836, G>A on the plus strand (C>T on the coding strand, the complement: SBF1 is on the minus strand). VCF-style: chr22-50474836-G-A. GRCh37 (hg19) VCF-style: chr22-50913265-G-A.
Other names: c.5C>T, p.Ala2Val (NM_001365819.1, NM_001410794.1, NM_001410795.1); short protein forms A2V.
Identifiers: ClinVar variation 4989113 (VCV004989113.1).
Genomic context (GRCh38, chr22:50,474,836, plus strand): 5'-CGGCACTCACCGCGCGGGTGCGGCCCGAACGCCACCAGCACGAAGTAGTCCGCGAGCCGC[G>A]CCATGGCGAGGGACGCGGGGCGGCCCGAGGGGCGCGGGCGGGCTCCGCGGCTCGGGGACT-3'
Protein context (NP_002963.2, residues 1-12): M[Ala2Val]RLADYFVLVA

ClinVar aggregate classification (germline): Uncertain significance (1 of 4 stars; one submission).

Conditions:
SBF1-related disorder. Also called: SBF1-related condition.

gnomAD v4.1: 2 of 1,433,714 alleles (0.00014%); highest among the groups gnomAD compares: South Asian, 0.0013%; no homozygotes.

Submission:

PreventionGenetics, part of Exact Sciences
Classification: Uncertain significance for SBF1-related condition. Last evaluated: 2024-11-20. Review status: criteria provided, single submitter. Criteria: ACMG Guidelines, 2015. Collection method: clinical testing. Allele origin: germline.
Comment: The SBF1 c.5C>T variant is predicted to result in the amino acid substitution p.Ala2Val. To our knowledge, this variant has not been reported in the literature or in a large population database (gnomAD), indicating this variant is rare. At this time, the clinical significance of this variant is uncertain due to the absence of conclusive functional and genetic evidence.